The following is an entry in ClinVar:

NM_002778.4(PSAP):c.299_315del (p.Pro100fs)

Gene: PSAP (prosaposin; minus strand). Cytogenetic location: 10q22.1.
Variant type: Deletion.
Coding change: c.299_315del on transcript NM_002778.4 (MANE Select); coding-DNA positions 299 to 315, 17 bases deleted (CGAACATGTCTGCTTCA).
Protein change: p.Pro100fs; shifts the reading frame from proline 100.
Molecular consequence: frameshift variant.
Genome position (GRCh38, 1-based): chr10:71,831,186-71,831,202, TGAAGCAGACATGTTCG deleted on the plus strand (CGAACATGTCTGCTTCA on the coding strand, the reverse complement: PSAP is on the minus strand). VCF-style (leftmost placement, unchanged base first): chr10-71831185-ATGAAGCAGACATGTTCG-A. GRCh37 (hg19) VCF-style: chr10-73590942-ATGAAGCAGACATGTTCG-A.
Other names: c.299_315del, p.Pro100fs (NM_001042465.3, NM_001042466.3); short protein forms P100fs.
Identifiers: ClinVar variation 1399943 (VCV001399943.6), dbSNP rs2133048124, ClinGen allele CA2573145289.
Genomic context (GRCh38, chr10:71,831,185, plus strand): 5'-CCATTTCTCCTTTAATGATGTCCAGGATGACAGGGAGGTAGGAGTCCACTATCTCCTTGC[ATGAAGCAGACATGTTCG>A]GTTTCGGAAGCCAGTCACAGGTCTTCTCCAAGTAAACAAGGATCTCCTCCTACGAGAGGA-3'

ClinVar aggregate classification (germline): Pathogenic (1 of 4 stars; one submission).

Conditions:
Sphingolipid activator protein 1 deficiency. Also called: Metachromatic leukodystrophy due to saposin B deficiency; Saposin B Deficiency; METACHROMATIC LEUKODYSTROPHY DUE TO CEREBROSIDE SULFATASE ACTIVATOR DEFICIENCY. Identifiers: Orphanet 512, MedGen C0268262, MONDO:0009590, OMIM 249900.

Submission:

Labcorp Genetics (formerly Invitae), Labcorp
Classification: Pathogenic for Sphingolipid activator protein 1 deficiency. Last evaluated: 2021-01-29. Review status: criteria provided, single submitter. Criteria: Invitae Variant Classification Sherloc (09022015). Collection method: clinical testing. Allele origin: germline.
Comment: For these reasons, this variant has been classified as Pathogenic. This variant has not been reported in the literature in individuals with PSAP-related conditions. This variant is not present in population databases (ExAC no frequency). This sequence change creates a premature translational stop signal (p.Pro100Leufs*17) in the PSAP gene. It is expected to result in an absent or disrupted protein product. Loss-of-function variants in PSAP are known to be pathogenic (PMID: 11309366, 19267410).

Literature cited by the submitters: PubMed 11309366; PubMed 19267410.